The following is an entry in ClinVar:

ClinVar aggregate classification (germline): Conflicting classifications of pathogenicity. Review status: criteria provided, conflicting classifications (1 of 4 stars). 4 submissions from 4 submitters: Uncertain significance (3); Likely benign (1). Last evaluated 2025-05-25.

Conditions:
Hereditary cancer-predisposing syndrome. Also called: Tumor predisposition; Neoplastic Syndromes, Hereditary; Hereditary Cancer Syndrome; Hereditary neoplastic syndrome. Identifiers: Orphanet 140162, MedGen C0027672, MeSH D009386, MONDO:0015356.
Hereditary breast ovarian cancer syndrome. Also called: Hereditary breast and ovarian cancer syndrome; Hereditary breast and ovarian cancer; Hereditary breast and ovarian cancer syndrome (HBOC); Hereditary breast and/or ovarian cancer syndrome; Breast and ovarian cancer; BRCA1- and BRCA2-Associated Hereditary Breast and Ovarian Cancer. Identifiers: Orphanet 145, MedGen C0677776, MeSH D061325, MONDO:0003582. Disease mechanism: loss of function.

Allele frequency attached by ClinVar (database versions not stated): gnomAD exomes below 0.00001.
gnomAD v4.1: 1 of 1,613,948 alleles (0.000062%); highest among the groups gnomAD compares: Non-Finnish European, 0.000085%; no homozygotes.

Submissions (4):

Ambry Genetics
Classification: Uncertain significance for Hereditary cancer-predisposing syndrome. Last evaluated: 2025-05-25. Review status: criteria provided, single submitter. Criteria: Ambry Variant Classification Scheme 2023. Collection method: clinical testing. Allele origin: germline.
Comment: The p.G964R variant (also known as c.2890G>A), located in coding exon 9 of the BRCA1 gene, results from a G to A substitution at nucleotide position 2890. The glycine at codon 964 is replaced by arginine, an amino acid with dissimilar properties. This amino acid position is not well conserved in available vertebrate species. In addition, the in silico prediction for this alteration is inconclusive. Since supporting evidence is limited at this time, the clinical significance of this alteration remains unclear.

Labcorp Genetics (formerly Invitae), Labcorp
Classification: Uncertain significance for Hereditary breast ovarian cancer syndrome. Last evaluated: 2025-04-10. Review status: criteria provided, single submitter. Criteria: Invitae Variant Classification Sherloc (09022015). Collection method: clinical testing. Allele origin: germline.
Comment: This sequence change replaces glycine, which is neutral and non-polar, with arginine, which is basic and polar, at codon 964 of the BRCA1 protein (p.Gly964Arg). This variant is not present in population databases (gnomAD no frequency). This variant has not been reported in the literature in individuals affected with BRCA1-related conditions. ClinVar contains an entry for this variant (Variation ID: 245974). Invitae Evidence Modeling of protein sequence and biophysical properties (such as structural, functional, and spatial information, amino acid conservation, physicochemical variation, residue mobility, and thermodynamic stability) indicates that this missense variant is not expected to disrupt BRCA1 protein function with a negative predictive value of 80%. In summary, the available evidence is currently insufficient to determine the role of this variant in disease. Therefore, it has been classified as a Variant of Uncertain Significance.

University of Washington Department of Laboratory Medicine, University of Washington
Classification: Likely benign for Hereditary cancer-predisposing syndrome. Last evaluated: 2023-03-23. Review status: criteria provided, single submitter. Criteria: Dines et al. (Genet Med. 2020). Collection method: curation. Allele origin: germline.
Comment: Missense variant in a coldspot region where missense variants are very unlikely to be pathogenic (PMID:31911673).

BRCA1 coldspot (exon 11 using historical exon numbering). Reclassification based on statistical prior probability

GeneDx
Classification: Uncertain significance. Last evaluated: 2015-09-30. Review status: criteria provided, single submitter. Criteria: GeneDx Variant Classification (06012015). Collection method: clinical testing. Allele origin: germline. Affected: yes.
Comment: This variant is denoted BRCA1 c.2890G>A at the cDNA level, p.Gly964Arg (G964R) at the protein level, and results in the change of a Glycine to an Arginine (GGA>AGA). Using alternate nomenclature, this variant would be defined as BRCA1 3009G>A. This variant has not, to our knowledge, been published in the literature as being pathogenic or benign. BRCA1 Gly964Arg was not observed in approximately 6,500 individuals of European and African American ancestry in the NHLBI Exome Sequencing Project, indicating it is not a common benign variant in these populations. Since Glycine and Arginine differ in polarity, charge, size or other properties, this is considered a non-conservative amino acid substitution. BRCA1 Gly964Arg occurs at a position that is not conserved and is located within the DNA and RAD51 binding domains and the region of interaction with BASC (Chen 1998, Narod 2004). In silico analyses are inconsistent regarding the effect this variant may have on protein structure and function. Based on currently available evidence, it is unclear whether BRCA1 Gly964Arg is a pathogenic or benign variant.

NM_007294.4(BRCA1):c.2890G>A (p.Gly964Arg)

Gene: BRCA1 (BRCA1 DNA repair associated; minus strand). Cytogenetic location: 17q21.31.
Variant type: single nucleotide variant.
Coding change: c.2890G>A on transcript NM_007294.4 (MANE Select); coding-DNA position 2890, G replaced by A.
Protein change: p.Gly964Arg; replaces glycine 964 with arginine.
Molecular consequence: missense variant. On other transcripts: intron variant (137).
Genome position (GRCh38, 1-based): chr17:43,092,641, C>T on the plus strand (G>A on the coding strand, the complement: BRCA1 is on the minus strand). VCF-style: chr17-43092641-C-T. GRCh37 (hg19) VCF-style: chr17-41244658-C-T.
Other names: c.2764G>A, p.Gly922Arg (NM_001407671.1, NM_001407672.1, NM_001407673.1 and 11 more transcripts); c.2767G>A, p.Gly923Arg (NM_001407674.1, NM_001407675.1, NM_001407676.1 and 19 more transcripts); c.2890G>A, p.Gly964Arg (NM_001407684.1, NM_001407854.1, NM_001407858.1 and 30 more transcripts); c.2749G>A, p.Gly917Arg (NM_001407692.1, NM_001407694.1, NM_001407695.1 and 29 more transcripts); c.2746G>A, p.Gly916Arg (NM_001407740.1, NM_001407741.1, NM_001407742.1 and 20 more transcripts); c.2677G>A, p.Gly893Arg (NM_001407853.1, NM_001407894.1, NM_001407895.1 and 9 more transcripts); c.2887G>A, p.Gly963Arg (NM_001407860.1, NM_001407861.1, NM_001407587.1 and 22 more transcripts); c.2689G>A, p.Gly897Arg (NM_001407862.1); and 41 more; short protein forms G964R, G917R, G668R, G837R, G853R, G876R, G896R, G923R.
Identifiers: ClinVar variation 245974 (VCV000245974.14), dbSNP rs879254027, ClinGen allele CA10584564.